The following is an entry in ClinVar:

ClinVar aggregate classification (germline): Uncertain significance (1 of 4 stars; one submission).

Submission:

Ambry Genetics
Classification: Uncertain significance. Last evaluated: 2025-10-19. Review status: criteria provided, single submitter. Criteria: Ambry Variant Classification Scheme 2023. Collection method: clinical testing. Allele origin: germline.
Comment: The p.C212G variant (also known as c.634T>G), located in coding exon 1 of the MLH3 gene, results from a T to G substitution at nucleotide position 634. The cysteine at codon 212 is replaced by glycine, an amino acid with highly dissimilar properties. This amino acid position is conserved. In addition, this alteration is predicted to be tolerated by in silico analysis. Based on the available evidence, the clinical significance of this variant remains unclear.

NM_001040108.2(MLH3):c.634T>G (p.Cys212Gly)

Gene: MLH3 (mutL homolog 3; minus strand). Cytogenetic location: 14q24.3.
Variant type: single nucleotide variant.
Coding change: c.634T>G on transcript NM_001040108.2 (MANE Select); coding-DNA position 634, T replaced by G.
Protein change: p.Cys212Gly; replaces cysteine 212 with glycine.
Molecular consequence: missense variant.
Genome position (GRCh38, 1-based): chr14:75,049,022, A>C on the plus strand (T>G on the coding strand, the complement: MLH3 is on the minus strand). VCF-style: chr14-75049022-A-C. GRCh37 (hg19) VCF-style: chr14-75515725-A-C.
Other names: c.634T>G, p.Cys212Gly (NM_014381.3); short protein forms C212G.
Identifiers: ClinVar variation 4552097 (VCV004552097.1).
Genomic context (GRCh38, chr14:75,049,022, plus strand): 5'-CTTTATATTTAAAACTTATTTCTCTTAGCTTTTGGGACTTTCCCAATCCATAAATTTGAC[A>C]AAATCGGGAACATACGTCTTTGGTTTTAGGGAGCTGAAGAACCATGGAACCAGAAACATC-3'
Protein context (NP_001035197.1, residues 202-222): PKTKDVCSRF[Cys212Gly]QIYGLGKSQK